The following is an entry in ClinVar:

NM_007294.4(BRCA1):c.3718C>G (p.Gln1240Glu)

Genes: BRCA1 (BRCA1 DNA repair associated; minus strand), LOC126862571 (BRD4-independent group 4 enhancer GRCh37_chr17:41243136-41244335; plus strand). Cytogenetic location: 17q21.31.
Variant type: single nucleotide variant.
Coding change: c.3718C>G on transcript NM_007294.4 (MANE Select); coding-DNA position 3718, C replaced by G.
Protein change: p.Gln1240Glu; replaces glutamine 1240 with glutamic acid.
Molecular consequence: missense variant. On other transcripts: intron variant (135).
Genome position (GRCh38, 1-based): chr17:43,091,813, G>C on the plus strand (C>G on the coding strand, the complement: BRCA1 is on the minus strand). VCF-style: chr17-43091813-G-C. GRCh37 (hg19) VCF-style: chr17-41243830-G-C.
Other names: c.3505C>G, p.Gln1169Glu (NM_001407571.1, NM_001407853.1, NM_001407894.1 and 9 more transcripts); c.3718C>G, p.Gln1240Glu (NM_001407581.1, NM_001407582.1, NM_001407583.1 and 30 more transcripts); c.3715C>G, p.Gln1239Glu (NM_001407587.1, NM_001407590.1, NM_001407591.1 and 22 more transcripts); c.3709C>G, p.Gln1237Glu (NM_001407646.1, NM_001407647.1); c.3595C>G, p.Gln1199Glu (NM_001407648.1, NM_001407664.1, NM_001407665.1 and 19 more transcripts); c.3592C>G, p.Gln1198Glu (NM_001407649.1, NM_001407670.1, NM_001407671.1 and 11 more transcripts); c.3640C>G, p.Gln1214Glu (NM_001407653.1, NM_001407654.1, NM_001407655.1 and 4 more transcripts); c.3637C>G, p.Gln1213Glu (NM_001407659.1, NM_001407660.1, NM_001407661.1 and 1 more transcripts); and 41 more; short protein forms Q1072E, Q1170E, Q1198E, Q1112E, Q1113E, Q1128E, Q1151E, Q1193E.
Identifiers: ClinVar variation 4624937 (VCV004624937.1).
Genomic context (GRCh38, chr17:43,091,813, plus strand): 5'-AATTCTCCTCTGTGTTCTTAGACAGACACTCGGTAGCAACGGTGCTATGCCTAGTAGACT[G>C]AGAAGGTATATTGTTTACTTTACCAAATAACAAGTGTTGGAAGCAGGGAAGCTCTTCATC-3'
Protein context (NP_009225.1, residues 1230-1250): LFGKVNNIPS[Gln1240Glu]STRHSTVATE

ClinVar aggregate classification (germline): Uncertain significance (1 of 4 stars; one submission).

Conditions:
Hereditary cancer-predisposing syndrome. Also called: Neoplastic Syndromes, Hereditary; Tumor predisposition; Hereditary Cancer Syndrome; Hereditary neoplastic syndrome. Identifiers: Orphanet 140162, MedGen C0027672, MeSH D009386, MONDO:0015356.

Submission:

Ambry Genetics
Classification: Uncertain significance for Hereditary cancer-predisposing syndrome. Last evaluated: 2025-09-16. Review status: criteria provided, single submitter. Criteria: Ambry Variant Classification Scheme 2023. Collection method: clinical testing. Allele origin: germline.
Comment: The p.Q1240E variant (also known as c.3718C>G), located in coding exon 9 of the BRCA1 gene, results from a C to G substitution at nucleotide position 3718. The glutamine at codon 1240 is replaced by glutamic acid, an amino acid with highly similar properties. This amino acid position is well conserved in available vertebrate species. In addition, this alteration is predicted to be tolerated by in silico analysis. Based on the available evidence, the clinical significance of this variant remains unclear.